The following is an entry in ClinVar:

ClinVar aggregate classification (germline): Likely pathogenic (1 of 4 stars; one submission).

Conditions:
Wiskott-Aldrich syndrome (WAS). Also called: ALDRICH SYNDROME; IMMUNODEFICIENCY 2; WISKOTT-ALDRICH SYNDROME 1; Wiskott-aldrich syndrome, somatic. Identifiers: Orphanet 906, MedGen C0043194, MONDO:0010518, OMIM 301000.

Submission:

Pele Pequeno Principe Research Institute, Faculdades Pequeno Principe
Classification: Likely pathogenic for Wiskott-Aldrich syndrome. Last evaluated: 2025-12-01. Review status: criteria provided, single submitter. Criteria: ACMG Guidelines, 2015. Collection method: research. Allele origin: germline. Inheritance: X-linked inheritance. Affected: yes. Observed: 1 hemizygote.
Comment: The WAS:c.777+1G>T (GRCh38 - chrX:48688097 G>T) variant consists of a single-nucleotide substitution of guanine (G) to a adenine (A), which is located in the splice donor site of intron 8. It is expected to disrupt RNA splicing. It is a null variant located in a gene where loss of function (LOF) is a known mechanism of disease (PVS1) (PMID: 15284122). According to the Genome Aggregation Database (gnomAD), this variant is absent from population datasets (PM2). Based on the collective evidence, the c.777+1G>T variant is classified as likely pathogenic for X-linked Wiskott-Aldrich syndrome.

Literature cited by the submitters: PubMed 15284122.

NM_000377.3(WAS):c.777+1G>T

Gene: WAS (WASP actin nucleation promoting factor; plus strand). Cytogenetic location: Xp11.23.
Variant type: single nucleotide variant.
Coding change: c.777+1G>T on transcript NM_000377.3 (MANE Select); the canonical splice donor site of the intron after coding-DNA position 777, G replaced by T.
Molecular consequence: splice donor variant.
Genome position (GRCh38, 1-based): chrX:48,688,097, G>T. VCF-style: chrX-48688097-G-T. GRCh37 (hg19) VCF-style: chrX-48546486-G-T.
Other names: c.777+1G>T (NM_001438879.1, NM_001438877.1, NM_001438878.1 and 1 more transcripts).
Identifiers: ClinVar variation 4537379 (VCV004537379.1).